The following is an entry in ClinVar:

NM_001374385.1(ATP8B1):c.3473_3476dup (p.Val1160fs)

Genes: ATP8B1 (ATPase phospholipid transporting 8B1; minus strand), ATP8B1-AS1 (ATP8B1 antisense RNA 1; plus strand). Cytogenetic location: 18q21.31.
Variant type: Duplication.
Coding change: c.3473_3476dup on transcript NM_001374385.1 (MANE Select); coding-DNA positions 3473 to 3476, 4 bases duplicated (TACC; older notation c.3473_3476dupTACC).
Protein change: p.Val1160fs; shifts the reading frame from valine 1160.
Molecular consequence: frameshift variant.
Genome position (GRCh38, 1-based): chr18:57,650,422-57,650,425, GGTA duplicated on the plus strand (TACC on the coding strand, the reverse complement: ATP8B1 is on the minus strand); duplicating any 4 consecutive bases within chr18:57,650,422-57,650,426 gives the same sequence; the c. name uses the placement nearest the transcript's 3' end. VCF-style (leftmost placement, unchanged base first): chr18-57650421-G-GGGTA. GRCh37 (hg19) VCF-style: chr18-55317653-G-GGGTA.
Other names: c.3323_3326dup, p.Val1110fs (NM_001374386.1); c.3473_3476dup, p.Val1160fs (NM_005603.6); short protein forms V1110fs, V1160fs.
Identifiers: ClinVar variation 2728500 (VCV002728500.3), dbSNP rs2511610263, ClinGen allele CA2697555515.

ClinVar aggregate classification (germline): Pathogenic (1 of 4 stars; one submission).

Submission:

Labcorp Genetics (formerly Invitae), Labcorp
Classification: Pathogenic. Last evaluated: 2023-06-25. Review status: criteria provided, single submitter. Criteria: Invitae Variant Classification Sherloc (09022015). Collection method: clinical testing. Allele origin: germline.
Comment: This sequence change creates a premature translational stop signal (p.Val1160Thrfs*18) in the ATP8B1 gene. While this is not anticipated to result in nonsense mediated decay, it is expected to disrupt the last 92 amino acid(s) of the ATP8B1 protein. This variant is not present in population databases (gnomAD no frequency). This variant has not been reported in the literature in individuals affected with ATP8B1-related conditions. This variant disrupts a region of the ATP8B1 protein in which other variant(s) (p.Arg1164*) have been determined to be pathogenic (PMID: 19918981, 28733223). This suggests that this is a clinically significant region of the protein, and that variants that disrupt it are likely to be disease-causing. For these reasons, this variant has been classified as Pathogenic.

Literature cited by the submitters: PubMed 19918981; PubMed 28733223.